The following is an entry in ClinVar:

ClinVar aggregate classification (germline): Pathogenic (1 of 4 stars; one submission).

Conditions:
Bardet-Biedl syndrome (BBS). Identifiers: Orphanet 110, MedGen C0752166, MONDO:0015229.

Submission:

Labcorp Genetics (formerly Invitae), Labcorp
Classification: Pathogenic for Bardet-Biedl syndrome. Last evaluated: 2022-10-28. Review status: criteria provided, single submitter. Criteria: Invitae Variant Classification Sherloc (09022015). Collection method: clinical testing. Allele origin: germline.
Comment: This sequence change affects an acceptor splice site in intron 8 of the BBS2 gene. It is expected to disrupt RNA splicing. Variants that disrupt the donor or acceptor splice site typically lead to a loss of protein function (PMID: 16199547), and loss-of-function variants in BBS2 are known to be pathogenic (PMID: 11285252, 20177705, 24608809, 26518167). This variant is not present in population databases (gnomAD no frequency). For these reasons, this variant has been classified as Pathogenic. Algorithms developed to predict the effect of sequence changes on RNA splicing suggest that this variant may disrupt the consensus splice site. ClinVar contains an entry for this variant (Variation ID: 957940). Disruption of this splice site has been observed in individual(s) with retinitis pigmentosa (PMID: 30902645). In at least one individual the data is consistent with being in trans (on the opposite chromosome) from a pathogenic variant.

Literature cited by the submitters: PubMed 16199547; PubMed 11285252; PubMed 20177705; PubMed 24608809; PubMed 26518167; PubMed 30902645.

NM_031885.5(BBS2):c.941-1G>C

Gene: BBS2 (Bardet-Biedl syndrome 2; minus strand). Cytogenetic location: 16q13.
Variant type: single nucleotide variant.
Coding change: c.941-1G>C on transcript NM_031885.5 (MANE Select); the canonical splice acceptor site of the intron before coding-DNA position 941, G replaced by C.
Molecular consequence: splice acceptor variant.
Genome position (GRCh38, 1-based): chr16:56,502,457, C>G on the plus strand (G>C on the coding strand, the complement: BBS2 is on the minus strand). VCF-style: chr16-56502457-C-G. GRCh37 (hg19) VCF-style: chr16-56536369-C-G.
Other names: c.941-1G>C (NM_001377456.1).
Identifiers: ClinVar variation 957940 (VCV000957940.8), dbSNP rs777234811, ClinGen allele CA395980933.
Genomic context (GRCh38, chr16:56,502,457, plus strand): 5'-CTGCACTGGTGTCCATGAGGTTGCCCCTCATCTCAGCCGTGCCAGGCAGGTAGCCCCGGA[C>G]TGAACAGAAGGAAAAAACCGCAAGTATAACCAGGTATACTTTTAGGTCATCAATTACCTG-3'